The following is an entry in ClinVar:

ClinVar aggregate classification (germline): Benign (1 of 4 stars; one submission).

Conditions:
Colorectal cancer, hereditary nonpolyposis, type 7. Identifiers: Orphanet 144, MedGen C1858380, MONDO:0013725, OMIM 614385.

Submission:

Myriad Genetics, Inc.
Classification: Benign for Colorectal cancer, hereditary nonpolyposis, type 7. Last evaluated: 2026-05-05. Review status: criteria provided, single submitter. Criteria: Myriad Autosomal Dominant, Autosomal Recessive and X-Linked Classification Criteria (2023). Collection method: clinical testing. Allele origin: unknown.
Comment: This variant is considered benign. This variant is a silent/synonymous amino acid change and it is not expected to impact splicing.

NM_001040108.2(MLH3):c.3309A>G (p.Arg1103=)

Gene: MLH3 (mutL homolog 3; minus strand). Cytogenetic location: 14q24.3.
Variant type: single nucleotide variant.
Coding change: c.3309A>G on transcript NM_001040108.2 (MANE Select); coding-DNA position 3309, A replaced by G.
Protein change: p.Arg1103=; no amino-acid change (arginine 1103 retained).
Molecular consequence: synonymous variant.
Genome position (GRCh38, 1-based): chr14:75,042,449, T>C on the plus strand (A>G on the coding strand, the complement: MLH3 is on the minus strand). VCF-style: chr14-75042449-T-C. GRCh37 (hg19) VCF-style: chr14-75509152-T-C.
Other names: c.3309A>G, p.Arg1103= (NM_014381.3).
Identifiers: ClinVar variation 4875823 (VCV004875823.1).
Genomic context (GRCh38, chr14:75,042,449, plus strand): 5'-CTGTCTCATCACAGTCCTCTCTGCTCGAGCTCTCGGAAGGAAAGGAAGAACAAGGTCGCT[T>C]CTAAAAGGTTGACACCTGTACTGAGACCCTAAATATAAGAAAGAAAAACCTAGAAATGTG-3'
Protein context (NP_001035197.1, residues 1093-1113): NGSQYRCQPF[Arg1103=]SDLVLPFLPR